The following is an entry in ClinVar:

NM_004170.6(SLC1A1):c.-93G>A

Genes: SLC1A1 (solute carrier family 1 member 1; plus strand), LOC130001482 (ATAC-STARR-seq lymphoblastoid silent region 19742; plus strand). Cytogenetic location: 9p24.2.
Variant type: single nucleotide variant.
Coding change: c.-93G>A on transcript NM_004170.6 (MANE Select); 93 bases upstream of the start codon, G replaced by A.
Molecular consequence: 5 prime UTR variant.
Genome position (GRCh38, 1-based): chr9:4,490,587, G>A. VCF-style: chr9-4490587-G-A. GRCh37 (hg19) VCF-style: chr9-4490587-G-A.
Identifiers: ClinVar variation 367031 (VCV000367031.5), dbSNP rs374187121, ClinGen allele CA10634195.

ClinVar aggregate classification (germline): Likely benign (1 of 4 stars; one submission).

Conditions:
Dicarboxylic aminoaciduria (DCBXA). Also called: GLUTAMATE-ASPARTATE TRANSPORT DEFECT. Identifiers: Orphanet 2195, MedGen C1857253, MONDO:0009110, OMIM 222730.

Allele frequency attached by ClinVar (database versions not stated): gnomAD below 0.00001 and 0.00033; TOPMed 0.00006; gnomAD exomes 0.00075; 1000 Genomes Project 30x 0.00297; 1000 Genomes Project 0.00300.
gnomAD v4.1: 681 of 988,692 alleles (0.069%); highest among the groups gnomAD compares: South Asian, 0.9%; 13 homozygotes.

Submission:

Illumina Laboratory Services, Illumina
Classification: Likely benign for Dicarboxylic aminoaciduria. Last evaluated: 2018-01-13. Review status: criteria provided, single submitter. Criteria: ICSL Variant Classification Criteria 13 December 2019. Collection method: clinical testing. Allele origin: germline.
Comment: This variant was observed in the ICSL laboratory as part of a predisposition screen in an ostensibly healthy population. It had not been previously curated by ICSL or reported in the Human Gene Mutation Database (HGMD: prior to June 1st, 2018), and was therefore a candidate for classification through an automated scoring system. Utilizing variant allele frequency, disease prevalence and penetrance estimates, and inheritance mode, an automated score was calculated to assess if this variant is too frequent to cause the disease. Based on the score and internal cut-off values, a variant classified as likely benign is not then subjected to further curation. The score for this variant resulted in a classification of likely benign for this disease.